The following is an entry in ClinVar:

ClinVar aggregate classification (germline): Likely pathogenic (1 of 4 stars; one submission).

Conditions:
Renal coloboma syndrome (PAPRS). Also called: OPTIC COLOBOMA, VESICOURETERAL REFLUX, AND RENAL ANOMALIES; OPTIC NERVE COLOBOMA WITH RENAL DISEASE; RENAL-COLOBOMA SYNDROME WITH MACULAR ABNORMALITIES; PAPILLORENAL SYNDROME WITH MILD OCULAR ABNORMALITIES; CONGENITAL ANOMALIES OF THE KIDNEY AND URINARY TRACT WITH OR WITHOUT OCULAR ABNORMALITIES; CAKUT WITH OR WITHOUT OCULAR ABNORMALITIES. Identifiers: Orphanet 1475, MedGen C1852759, MONDO:0007352, OMIM 120330.

Submission:

3billion
Classification: Likely pathogenic for Renal coloboma syndrome. Last evaluated: 2022-05-22. Review status: criteria provided, single submitter. Criteria: ACMG Guidelines, 2015. Collection method: clinical testing. Allele origin: germline. Affected: yes. Observed: 1 heterozygote.
Comment: The variant is not observed in the gnomAD v2.1.1 dataset. Frameshift: predicted to result in a loss or disruption of normal protein function through nonsense-mediated decay (NMD) or protein truncation. Multiple pathogenic variants are reported downstream of the variant. Therefore, this variant is classified as likely pathogenic according to the recommendation of ACMG/AMP guideline.

NM_000278.5(PAX2):c.841_845del (p.Lys281fs)

Gene: PAX2 (paired box 2; plus strand). Cytogenetic location: 10q24.31.
Variant type: Microsatellite.
Coding change: c.841_845del on transcript NM_000278.5 (MANE Select); coding-DNA positions 841 to 845, 5 bases deleted (AAGTC; older notation c.841_845delAAGTC).
Protein change: p.Lys281fs; shifts the reading frame from lysine 281.
Molecular consequence: frameshift variant.
Genome position (GRCh38, 1-based): chr10:100,809,158-100,809,162, AAGTC deleted; deleting any 5 consecutive bases within chr10:100,809,153-100,809,162 gives the same sequence; the c. name uses the placement nearest the transcript's 3' end. VCF-style (leftmost placement, unchanged base first): chr10-100809152-GAAGTC-G. GRCh37 (hg19) VCF-style: chr10-102568909-GAAGTC-G.
Other names: c.934_938del, p.Lys312fs (NM_001304569.2); c.910_914del, p.Lys304fs (NM_003987.5, NM_003990.5); c.841_845del, p.Lys281fs (NM_003988.5, NM_003989.5); short protein forms K281fs, K304fs, K312fs.
Identifiers: ClinVar variation 1687409 (VCV001687409.1), dbSNP rs2133956255, ClinGen allele CA2580615589.